The following is an entry in ClinVar:

NM_015466.4(PTPN23):c.2189G>C (p.Arg730Thr)

Gene: PTPN23 (protein tyrosine phosphatase non-receptor type 23; plus strand). Cytogenetic location: 3p21.31.
Variant type: single nucleotide variant.
Coding change: c.2189G>C on transcript NM_015466.4 (MANE Select); coding-DNA position 2189, G replaced by C.
Protein change: p.Arg730Thr; replaces arginine 730 with threonine.
Molecular consequence: missense variant.
Genome position (GRCh38, 1-based): chr3:47,409,987, G>C. VCF-style: chr3-47409987-G-C. GRCh37 (hg19) VCF-style: chr3-47451477-G-C.
Other names: c.1811G>C, p.Arg604Thr (NM_001304482.2); short protein forms R604T, R730T.
Identifiers: ClinVar variation 1911281 (VCV001911281.3), dbSNP rs371402807, ClinGen allele CA2365969.

ClinVar aggregate classification (germline): Uncertain significance. Review status: criteria provided, multiple submitters, no conflicts (2 of 4 stars). 2 submissions from 2 submitters: Uncertain significance (2). Last evaluated 2022-03-04.

Conditions:
Inborn genetic diseases. Identifiers: MedGen C0950123, MeSH D030342.

Allele frequency attached by ClinVar (database versions not stated): ExAC 0.00001; gnomAD 0.00003; TOPMed 0.00006; ESP Exome Variant Server 0.00008.
gnomAD v4.1: 33 of 1,597,252 alleles (0.0021%); highest among the groups gnomAD compares: Non-Finnish European, 0.0026%; no homozygotes.

Submissions (2):

Labcorp Genetics (formerly Invitae), Labcorp
Classification: Uncertain significance. Last evaluated: 2022-03-04. Review status: criteria provided, single submitter. Criteria: Invitae Variant Classification Sherloc (09022015). Collection method: clinical testing. Allele origin: germline.
Comment: This sequence change replaces arginine, which is basic and polar, with threonine, which is neutral and polar, at codon 730 of the PTPN23 protein (p.Arg730Thr). This variant is present in population databases (rs371402807, gnomAD 0.002%). This variant has not been reported in the literature in individuals affected with PTPN23-related conditions. Algorithms developed to predict the effect of missense changes on protein structure and function are either unavailable or do not agree on the potential impact of this missense change (SIFT: "Tolerated"; PolyPhen-2: "Not Available"; Align-GVGD: "Class C0"). In summary, the available evidence is currently insufficient to determine the role of this variant in disease. Therefore, it has been classified as a Variant of Uncertain Significance.

Ambry Genetics
Classification: Uncertain significance for Inborn genetic diseases. Last evaluated: 2021-03-25. Review status: criteria provided, single submitter. Criteria: Ambry Variant Classification Scheme 2023. Collection method: clinical testing. Allele origin: germline.
Comment: The c.2189G>C (p.R730T) alteration is located in exon 20 (coding exon 20) of the PTPN23 gene. This alteration results from a G to C substitution at nucleotide position 2189, causing the arginine (R) at amino acid position 730 to be replaced by a threonine (T). The p.R730T alteration is predicted to be tolerated by in silico analysis. Based on insufficient or conflicting evidence, the clinical significance of this alteration remains unclear.